The following is an entry in ClinVar:

ClinVar aggregate classification (germline): Benign. Review status: criteria provided, multiple submitters, no conflicts (2 of 4 stars). 2 submissions from 2 submitters: Benign (2). Last evaluated 2018-06-14.

Allele frequency attached by ClinVar (database versions not stated): gnomAD exomes 0.09366; gnomAD 0.10171 and 0.10306; TOPMed 0.10702; 1000 Genomes Project 0.11641; 1000 Genomes Project 30x 0.11805.

Submissions (2):

GeneDx
Classification: Benign. Last evaluated: 2018-06-14. Review status: criteria provided, single submitter. Criteria: GeneDx Variant Classification (06012015). Collection method: clinical testing. Allele origin: germline. Affected: yes.
Comment: This variant is considered likely benign or benign based on one or more of the following criteria: it is a conservative change, it occurs at a poorly conserved position in the protein, it is predicted to be benign by multiple in silico algorithms, and/or has population frequency not consistent with disease.

Breakthrough Genomics
Classification: Benign. Review status: criteria provided, single submitter. Criteria: ACMG Guidelines, 2015. Collection method: not provided. Allele origin: germline. Inheritance: Autosomal recessive inheritance. Affected: yes.

NM_001985.3(ETFB):c.439-194G>A

Gene: ETFB (electron transfer flavoprotein subunit beta; minus strand). Cytogenetic location: 19q13.41.
Variant type: single nucleotide variant.
Coding change: c.439-194G>A on transcript NM_001985.3 (MANE Select); 194 bases into the intron before coding-DNA position 439, G replaced by A.
Molecular consequence: intron variant.
Genome position (GRCh38, 1-based): chr19:51,347,252, C>T on the plus strand (G>A on the coding strand, the complement: ETFB is on the minus strand). VCF-style: chr19-51347252-C-T. GRCh37 (hg19) VCF-style: chr19-51850506-C-T.
Other names: c.712-194G>A (NM_001014763.1).
Identifiers: ClinVar variation 681624 (VCV000681624.2), dbSNP rs8111973, ClinGen allele CA14678228.